The following is an entry in ClinVar:

NM_002878.4(RAD51D):c.904-2A>T

Genes: RAD51D (RAD51 paralog D; minus strand), RAD51L3-RFFL (RAD51L3-RFFL readthrough; minus strand). Cytogenetic location: 17q12.
Variant type: single nucleotide variant.
Coding change: c.904-2A>T on transcript NM_002878.4 (MANE Select); the canonical splice acceptor site of the intron before coding-DNA position 904, A replaced by T.
Molecular consequence: splice acceptor variant.
Genome position (GRCh38, 1-based): chr17:35,101,038, T>A on the plus strand (A>T on the coding strand, the complement: RAD51D is on the minus strand). VCF-style: chr17-35101038-T-A. GRCh37 (hg19) VCF-style: chr17-33428057-T-A.
Other names: c.568-2A>T (NM_133629.3); c.964-2A>T (NM_001142571.2).
Identifiers: ClinVar variation 472631 (VCV000472631.44), dbSNP rs1403784434, ClinGen allele CA399086196.

ClinVar aggregate classification (germline): Pathogenic/Likely pathogenic. Review status: criteria provided, multiple submitters, no conflicts (2 of 4 stars). 9 submissions from 9 submitters: Pathogenic (1); Likely pathogenic (5). 3 of the submissions do not count toward it. Last evaluated 2026-01-13.

Conditions:
Hereditary breast ovarian cancer syndrome. Also called: Hereditary breast and ovarian cancer syndrome; Hereditary breast and ovarian cancer; Hereditary breast and/or ovarian cancer syndrome; Breast and ovarian cancer; Hereditary breast and ovarian cancer syndrome (HBOC); BRCA1- and BRCA2-Associated Hereditary Breast and Ovarian Cancer. Identifiers: Orphanet 145, MedGen C0677776, MeSH D061325, MONDO:0003582. Disease mechanism: loss of function.
Breast-ovarian cancer, familial, susceptibility to, 4. Identifiers: Orphanet 145, MedGen C3280345, MONDO:0013669, OMIM 614291.
Gastric cancer. Also called: Stomach cancer; Malignant tumor of stomach. Identifiers: MedGen C0024623, MeSH D013274, MONDO:0001056, OMIM 613659, HP:0012126.
Hereditary site-specific ovarian cancer syndrome. Identifiers: MedGen CN278678, MONDO:0016249.
Hereditary cancer-predisposing syndrome. Also called: Tumor predisposition; Hereditary neoplastic syndrome; Neoplastic Syndromes, Hereditary; Hereditary Cancer Syndrome. Identifiers: Orphanet 140162, MedGen C0027672, MeSH D009386, MONDO:0015356.

Allele frequency attached by ClinVar (database versions not stated): gnomAD exomes below 0.00001 and 0.00001; TOPMed below 0.00001.

Submissions (9):

Labcorp Genetics (formerly Invitae), Labcorp
Classification: Likely pathogenic for Breast-ovarian cancer, familial, susceptibility to, 4. Last evaluated: 2026-01-13. Review status: criteria provided, single submitter. Criteria: Invitae Variant Classification Sherloc (09022015). Collection method: clinical testing. Allele origin: germline.
Comment: This sequence change affects an acceptor splice site in intron 9 of the RAD51D gene. RNA analysis indicates that disruption of this splice site induces altered splicing and likely disrupts the C-terminus of the protein. This variant is not present in population databases (gnomAD no frequency). Disruption of this splice site has been observed in individual(s) with biliary cancer, ovarian cancer and retroperitoneal leiomyosarcoma (PMID: 29020732, 34838098). This variant is also known as c.964-2A>T. ClinVar contains an entry for this variant (Variation ID: 472631). Studies have shown that disruption of this splice site results in activation of a cryptic splice site and introduces a new termination codon (31843900 internal data). However the mRNA is not expected to undergo nonsense-mediated decay. In summary, the currently available evidence indicates that the variant is pathogenic, but additional data are needed to prove that conclusively. Therefore, this variant has been classified as Likely Pathogenic.

Ambry Genetics
Classification: Likely pathogenic for Hereditary cancer-predisposing syndrome. Last evaluated: 2025-07-18. Review status: criteria provided, single submitter. Criteria: Ambry Variant Classification Scheme 2023. Collection method: clinical testing. Allele origin: germline.
Comment: The c.904-2A>T intronic variant results from an A to T substitution two nucleotides upstream from coding exon 10 in the RAD51D gene. This nucleotide position is highly conserved in available vertebrate species. In silico splice site analysis predicts that this alteration will weaken the native splice acceptor site and will result in the creation or strengthening of a novel splice acceptor site. RNA analyses have shown that this alteration leads to an aberrant splicing by activation of cryptic acceptor site (Casadei S et al. Proc. Natl. Acad. Sci. U.S.A., 2019 Dec; Ambry internal data). The resulting transcript is predicted not to trigger nonsense-mediated mRNAdecay; however, direct evidence is unavailable. The exact functional effect of the missing amino acids is unknown; however, structural analysis suggests that this region contains a highly conserved ATP cap, which functions to hold the ATP in place and is likely to impact nucleoprotein filament stability (Amunugama R et al. J. Biol. Chem. 2012 Mar; 287(12):8724-36). Based on the majority of available evidence to date, this variant is likely to be pathogenic.

Quest Diagnostics Nichols Institute San Juan Capistrano
Classification: Likely pathogenic. Last evaluated: 2024-11-13. Review status: criteria provided, single submitter. Criteria: Quest Diagnostics criteria. Collection method: clinical testing. Allele origin: unknown.
Comment: The RAD51D c.904-2A>T variant disrupts a canonical splice-acceptor site and is predicted to interfere with normal RAD51D mRNA splicing. This variant has been reported in the published literature in individuals affected with breast and/or ovarian cancer (PMID: 26046366 (2015), 29020732 (2018)), retroperitoneal leiomyosarcoma (PMID: 34838098 (2021)), endometrial cancer (PMID: 36744932 (2023)), and pancreatic ductal adenocarcinoma (PMID: 37024097 (2023)). The frequency of this variant in the general population, 0.000004 (1/251488 chromosomes (Genome Aggregation Database)), is uninformative in the assessment of its pathogenicity. Based on the available information, this variant is classified as likely pathogenic.

Color Diagnostics, LLC DBA Color Health
Classification: Likely pathogenic for Hereditary cancer-predisposing syndrome. Last evaluated: 2024-03-27. Review status: criteria provided, single submitter. Criteria: ACMG Guidelines, 2015. Collection method: clinical testing. Allele origin: germline.
Comment: This variant causes an A to T nucleotide substitution at the canonical -2 position of intron 9 splice acceptor site of the RAD51D gene. A RNA study has shown that this variant results in the use of cryptic splice acceptor site which then cause a deletion of 7 nucleotides from the beginning of exon 9 (c.904_910del) (PMID: 31843900). The mutant transcript is expected to escape nonsense-mediated decay and be expressed as a truncated protein (p.Pro302Valfs*6) that lacks the C-terminus of the ATPase domain (PMID: 14704354, 19327148, 21111057) and RAD51C interaction domain (PMID: 10749867, 14704354, 19327148). Although protein functional studies have not been reported, this variant is likely to disrupt RAD51D function. This variant has been reported in individuals affected with ovarian cancer (PMID: 29020732), breast and ovarian cancer (PMID: 26046366), leiomyosarcoma (PMID: 34838098), and pancreatic ductal adenocarcinoma (PMID: 37024097). This variant has been identified in 1/251488 chromosomes in the general population by the Genome Aggregation Database (gnomAD). Based on the available evidence, this variant is classified as Likely Pathogenic.

Baylor Genetics
Classification: Likely pathogenic for Breast-ovarian cancer, familial, susceptibility to, 4. Last evaluated: 2023-09-19. Review status: criteria provided, single submitter. Criteria: ACMG Guidelines, 2015. Collection method: clinical testing. Allele origin: unknown.

Women's Health and Genetics/Laboratory Corporation of America, LabCorp
Classification: Pathogenic for Hereditary breast ovarian cancer syndrome. Last evaluated: 2022-07-28. Review status: criteria provided, single submitter. Criteria: LabCorp Variant Classification Summary - May 2015. Collection method: clinical testing. Allele origin: germline.
Comment: Variant summary: RAD51D c.904-2A>T alters a conserved nucleotide located in a canonical splice-site and is predicted to affect mRNA splicing resulting in a significantly altered protein due to either exon skipping, shortening, or inclusion of intronic material. Several computational tools predict a significant impact on normal splicing: Four predict the variant abolishes the canonical 3' splice acceptor site. Four predict the variant strengthens an alternate cryptic exonic 3' splice acceptor site. However, these predictions have yet to be confirmed by functional studies. The variant allele was found at a frequency of 4e-06 in 251488 control chromosomes. c.904-2A>T has been reported in the literature in individuals affected with a variety of cancers such as Peritoneum Leiomyosarcoma (Futagawa_2021), Biliary tract cholangiocarcinoma (Wardell_2018), Breast carcinoma (Kaneyasu_2020, Johnston_2015) and Ovarian serous carcinoma (Eoh_2018). These data indicate that the variant is likely to be associated with disease. To our knowledge, no experimental evidence demonstrating an impact on protein function has been reported. Five clinical diagnostic laboratories have submitted clinical-significance assessments for this variant to ClinVar after 2014 without evidence for independent evaluation (Pathogenic/Likely pathogenic, n=4; VUS, n=1). Based on the evidence outlined above, the variant was classified as pathogenic.

Laboratory for Genotyping Development, RIKEN
Classification: Pathogenic for Gastric cancer. Last evaluated: 2021-07-01. Review status: no assertion criteria provided. Collection method: research. Allele origin: germline. Not counted in ClinVar's aggregate classification.

King Laboratory, University of Washington
Classification: Pathogenic for Hereditary site-specific ovarian cancer syndrome. Last evaluated: 2019-09-01. Review status: no assertion criteria provided. Collection method: research. Allele origin: germline. Affected: yes. Not counted in ClinVar's aggregate classification.
Comment: Transcript analysis by cBROCA

Cancer Genomics Group, Japanese Foundation For Cancer Research
Classification: Uncertain significance for Hereditary breast and ovarian cancer syndrome. Last evaluated: 2019-05-01. Review status: flagged submission. Criteria: ACMG Guidelines, 2015. Collection method: research. Allele origin: germline. Affected: yes. Not counted in ClinVar's aggregate classification.
ClinVar note: Reason: Older and outlier claim with insufficient supporting evidence

Literature cited by the submitters: PubMed 29020732 (cited by 5 submitters); PubMed 34838098 (cited by 4 submitters); PubMed 26046366 (cited by 4 submitters); PubMed 37024097 (cited by Quest Diagnostics Nichols Institute San Juan Capistrano and Color Diagnostics, LLC DBA Color Health); PubMed 36744932 (cited by Quest Diagnostics Nichols Institute San Juan Capistrano); PubMed 10749867 (cited by Quest Diagnostics Nichols Institute San Juan Capistrano and Color Diagnostics, LLC DBA Color Health); PubMed 14704354 (cited by Quest Diagnostics Nichols Institute San Juan Capistrano and Color Diagnostics, LLC DBA Color Health); PubMed 21111057 (cited by Quest Diagnostics Nichols Institute San Juan Capistrano and Color Diagnostics, LLC DBA Color Health); PubMed 31843900 (cited by 3 submitters); PubMed 19327148 (cited by Color Diagnostics, LLC DBA Color Health); PubMed 29360550 (cited by Women's Health and Genetics/Laboratory Corporation of America, LabCorp); PubMed 36988593 (cited by Laboratory for Genotyping Development, RIKEN).